The following is an entry in ClinVar:

ClinVar aggregate classification (germline): Uncertain significance (1 of 4 stars; one submission).

Allele frequency attached by ClinVar (database versions not stated): gnomAD 0.00003; ExAC 0.00005; TOPMed 0.00005; gnomAD exomes 0.00010; ESP Exome Variant Server 0.00015.

Submission:

Labcorp Genetics (formerly Invitae), Labcorp
Classification: Uncertain significance. Last evaluated: 2022-12-06. Review status: criteria provided, single submitter. Criteria: Invitae Variant Classification Sherloc (09022015). Collection method: clinical testing. Allele origin: germline.
Comment: In summary, the available evidence is currently insufficient to determine the role of this variant in disease. Therefore, it has been classified as a Variant of Uncertain Significance. This sequence change replaces glutamine, which is neutral and polar, with glutamic acid, which is acidic and polar, at codon 4440 of the DNAH9 protein (p.Gln4440Glu). This variant is present in population databases (rs377362405, gnomAD 0.007%). This variant has not been reported in the literature in individuals affected with DNAH9-related conditions. Algorithms developed to predict the effect of missense changes on protein structure and function are either unavailable or do not agree on the potential impact of this missense change (SIFT: "Deleterious"; PolyPhen-2: "Benign"; Align-GVGD: "Class C0").

NM_001372.4(DNAH9):c.13318C>G (p.Gln4440Glu)

Gene: DNAH9 (dynein axonemal heavy chain 9; plus strand). Cytogenetic location: 17p12.
Variant type: single nucleotide variant.
Coding change: c.13318C>G on transcript NM_001372.4 (MANE Select); coding-DNA position 13318, C replaced by G.
Protein change: p.Gln4440Glu; replaces glutamine 4440 with glutamic acid.
Molecular consequence: missense variant.
Genome position (GRCh38, 1-based): chr17:11,969,384, C>G. VCF-style: chr17-11969384-C-G. GRCh37 (hg19) VCF-style: chr17-11872701-C-G.
Other names: c.2254C>G, p.Gln752Glu (NM_004662.2); short protein forms Q4440E, Q752E.
Identifiers: ClinVar variation 2419392 (VCV002419392.6), dbSNP rs377362405, ClinGen allele CA8398405.